The following is an entry in ClinVar:

NM_153266.4(TMEM151A):c.929A>T (p.His310Leu)

Gene: TMEM151A (transmembrane protein 151A; plus strand). Cytogenetic location: 11q13.2.
Variant type: single nucleotide variant.
Coding change: c.929A>T on transcript NM_153266.4 (MANE Select); coding-DNA position 929, A replaced by T.
Protein change: p.His310Leu; replaces histidine 310 with leucine.
Molecular consequence: missense variant.
Genome position (GRCh38, 1-based): chr11:66,295,175, A>T. VCF-style: chr11-66295175-A-T. GRCh37 (hg19) VCF-style: chr11-66062646-A-T.
Other names: short protein forms H310L.
Identifiers: ClinVar variation 4885621 (VCV004885621.2).
Genomic context (GRCh38, chr11:66,295,175, plus strand): 5'-TCGTGTCGGCGGCCACGCTGTCGTGGCCCCTGCGCGTCGTGGCCGCCTATGGCACGGCTC[A>T]CGTGCACTACCAGGTGGAGAAGCTCTTTGGCGCCAGCTCGCCCCCGCCGGGGGCCGTGCC-3'
Protein context (NP_694998.1, residues 300-320): LRVVAAYGTA[His310Leu]VHYQVEKLFG

ClinVar aggregate classification (germline): Uncertain significance (1 of 4 stars; one submission).

gnomAD v4.1: 11 of 1,586,654 alleles (0.00069%); highest among the groups gnomAD compares: Non-Finnish European, 0.00094%; no homozygotes.

Submission:

Dasa
Classification: Uncertain significance. Last evaluated: 2025-03-07. Review status: criteria provided, single submitter. Criteria: DASA Assertion Criteria. Collection method: clinical testing. Allele origin: germline.
Comment: NM_153266.4(TMEM151A):c.929A>T (p.His310Leu) is a missense variant that results in the substitution of histidine with leucine. This variant is rare in population databases. Computational prediction algorithms are consistent with a benign effect. The currently available literature and clinical evidence are not sufficient to establish a definitive association between this variant and the reported condition. Therefore, this variant is classified as a variant of uncertain significance.